The following is an entry in ClinVar:

NM_001130823.3(DNMT1):c.4181G>A (p.Arg1394Gln)

Gene: DNMT1 (DNA methyltransferase 1; minus strand). Cytogenetic location: 19p13.2.
Variant type: single nucleotide variant.
Coding change: c.4181G>A on transcript NM_001130823.3 (MANE Select); coding-DNA position 4181, G replaced by A.
Protein change: p.Arg1394Gln; replaces arginine 1394 with glutamine.
Molecular consequence: missense variant.
Genome position (GRCh38, 1-based): chr19:10,137,944, C>T on the plus strand (G>A on the coding strand, the complement: DNMT1 is on the minus strand). VCF-style: chr19-10137944-C-T. GRCh37 (hg19) VCF-style: chr19-10248620-C-T.
Other names: c.4133G>A, p.Arg1378Gln (NM_001379.4, NM_001318730.2); c.4181G>A (LRG_362t1); c.3818G>A, p.Arg1273Gln (NM_001318731.2); short protein forms R1394Q, R1378Q, R1273Q.
Identifiers: ClinVar variation 576529 (VCV000576529.8), dbSNP rs757243017, ClinGen allele CA9187567.

ClinVar aggregate classification (germline): Uncertain significance (1 of 4 stars; one submission).

Conditions:
Hereditary sensory neuropathy-deafness-dementia syndrome. Also called: Hereditary sensory neuropathy type IE; NEUROPATHY, HEREDITARY SENSORY, WITH HEARING LOSS AND DEMENTIA; HSN IE; Hereditary Sensory and Autonomic Neuropathy Type 1E (HSAN1E). Identifiers: Orphanet 456318, MedGen C3279885, MONDO:0013584, OMIM 614116.

Allele frequency attached by ClinVar (database versions not stated): gnomAD exomes 0.00001 and 0.00002; ExAC 0.00003.
gnomAD v4.1: 18 of 1,612,072 alleles (0.0011%); highest among the groups gnomAD compares: Non-Finnish European, 0.0012%; no homozygotes.

Submission:

Labcorp Genetics (formerly Invitae), Labcorp
Classification: Uncertain significance for Hereditary sensory neuropathy-deafness-dementia syndrome. Last evaluated: 2022-07-11. Review status: criteria provided, single submitter. Criteria: Invitae Variant Classification Sherloc (09022015). Collection method: clinical testing. Allele origin: germline.
Comment: In summary, the available evidence is currently insufficient to determine the role of this variant in disease. Therefore, it has been classified as a Variant of Uncertain Significance. Algorithms developed to predict the effect of missense changes on protein structure and function output the following: SIFT: "Tolerated"; PolyPhen-2: "Benign"; Align-GVGD: "Class C0". The glutamine amino acid residue is found in multiple mammalian species, which suggests that this missense change does not adversely affect protein function. ClinVar contains an entry for this variant (Variation ID: 576529). This variant has not been reported in the literature in individuals affected with DNMT1-related conditions. This variant is present in population databases (rs757243017, gnomAD 0.005%). This sequence change replaces arginine, which is basic and polar, with glutamine, which is neutral and polar, at codon 1394 of the DNMT1 protein (p.Arg1394Gln).